The following is an entry in ClinVar:

ClinVar aggregate classification (germline): Likely pathogenic (1 of 4 stars; one submission).

Conditions:
Hereditary nonpolyposis colorectal neoplasms. Identifiers: MedGen C0009405, MeSH D003123.

Submission:

Labcorp Genetics (formerly Invitae), Labcorp
Classification: Likely pathogenic for Hereditary nonpolyposis colorectal neoplasms. Last evaluated: 2024-11-06. Review status: criteria provided, single submitter. Criteria: Invitae Variant Classification Sherloc (09022015). Collection method: clinical testing. Allele origin: germline.
Comment: This sequence change replaces phenylalanine, which is neutral and non-polar, with tyrosine, which is neutral and polar, at codon 432 of the MSH6 protein (p.Phe432Tyr). This variant is not present in population databases (gnomAD no frequency). This variant has not been reported in the literature in individuals affected with MSH6-related conditions. ClinVar contains an entry for this variant (Variation ID: 944520). Invitae Evidence Modeling incorporating data from in vitro experimental studies (internal data) indicates that this missense variant is expected to disrupt MSH6 function with a positive predictive value of 95%. This variant disrupts the p.Phe432 amino acid residue in MSH6. Other variant(s) that disrupt this residue have been determined to be pathogenic (PMID: 3195077, 10938287, 24933100; internal data). This suggests that this residue is clinically significant, and that variants that disrupt this residue are likely to be disease-causing. In summary, the currently available evidence indicates that the variant is pathogenic, but additional data are needed to prove that conclusively. Therefore, this variant has been classified as Likely Pathogenic.

Literature cited by the submitters: PubMed 3195077; PubMed 10938287; PubMed 24933100.

NM_000179.3(MSH6):c.1295T>A (p.Phe432Tyr)

Gene: MSH6 (mutS homolog 6; plus strand). Cytogenetic location: 2p16.3.
Variant type: single nucleotide variant.
Coding change: c.1295T>A on transcript NM_000179.3 (MANE Select); coding-DNA position 1295, T replaced by A.
Protein change: p.Phe432Tyr; replaces phenylalanine 432 with tyrosine.
Molecular consequence: missense variant.
Genome position (GRCh38, 1-based): chr2:47,799,278, T>A. VCF-style: chr2-47799278-T-A. GRCh37 (hg19) VCF-style: chr2-48026417-T-A.
Other names: c.905T>A, p.Phe302Tyr (NM_001281492.2); c.389T>A, p.Phe130Tyr (NM_001281493.2, NM_001281494.2); short protein forms F432Y, F130Y, F302Y.
Identifiers: ClinVar variation 944520 (VCV000944520.10), dbSNP rs750528093, ClinGen allele CA346744225.